The following is an entry in ClinVar:

ClinVar aggregate classification (germline): Conflicting classifications of pathogenicity. Review status: criteria provided, conflicting classifications (1 of 4 stars). 2 submissions from 2 submitters: Likely pathogenic (1); Uncertain significance (1). Last evaluated 2025-12-03.

Conditions:
Asphyxiating thoracic dystrophy 3. Also called: SHORT-RIB THORACIC DYSPLASIA 3 WITH OR WITHOUT POLYDACTYLY; POLYDACTYLY WITH NEONATAL CHONDRODYSTROPHY, TYPE I; SHORT-RIB THORACIC DYSPLASIA 3/6 WITH POLYDACTYLY, DIGENIC; Short rib polydactyly syndrome 2B; Saldino-Noonan Syndrome. Identifiers: Orphanet 474, Orphanet 93269, Orphanet 93270, Orphanet 93271, MedGen C0036069, MONDO:0013127, OMIM 613091.

Submissions (2):

3billion
Classification: Uncertain significance for Asphyxiating thoracic dystrophy 3. Last evaluated: 2025-12-03. Review status: criteria provided, single submitter. Criteria: ACMG Guidelines, 2015. Collection method: clinical testing. Allele origin: germline. Affected: yes.
Comment: The variant is not observed in the gnomAD v4.1.0 dataset. Predicted Consequence/Location: Missense variant In silico tool predictions suggest damaging effect of the variant on gene or gene product [REVEL: 0.75 (>=0.6, sensitivity 0.68 and specificity 0.92)]. A different missense change at the same codon (p.Ala2012Val) has been reported to be associated with DYNC2H1-related disorder (ClinVar ID: VCV003064165 /PMID: 23339108). However the evidence of pathogenicity is insufficient at this time. Therefore, this variant is classified as VUS according to the recommendation of ACMG/AMP guideline.

Laboratory of Functional Genomics, Research Centre for Medical Genetics
Classification: Likely pathogenic for Asphyxiating thoracic dystrophy 3. Last evaluated: 2025-11-30. Review status: criteria provided, single submitter. Criteria: ACMG Guidelines, 2015. Collection method: clinical testing. Allele origin: maternal. Inheritance: Autosomal recessive inheritance. Affected: yes. Observed: 1 variant allele, 1 compound heterozygote.
Comment: This previously unreported missense variant was detected in cis with another missense variant, c.9655G>A (p.Glu3219Lys), and both were found in trans with the likely pathogenic synonymous variant c.2386C>A. Structural analysis employing X-ray crystallography (PDB ID: 4RH7) and AlphaFold3 modeling demonstrated that the variant resides within the ATPase domain AAA2. According to structural predictions, the substitution of alanine with threonine may perturb local hydrophobic packing within the helical segment adjacent to the ATP-binding pocket, potentially compromising ATP binding efficiency or disrupting hydrolysis dynamics. The high degree of evolutionary conservation of residue Ala2012 further supports its functional relevance. In accordance with the ACMG 2015 guidelines (criteria PM2, PP3, PM1, PM3), the c.6034G>A variant is classified as likely pathogenic.

Literature cited by the submitters: PubMed 23339108 (cited by 3billion).

NM_001377.3(DYNC2H1):c.6034G>A (p.Ala2012Thr)

Gene: DYNC2H1 (dynein cytoplasmic 2 heavy chain 1; plus strand). Cytogenetic location: 11q22.3.
Variant type: single nucleotide variant.
Coding change: c.6034G>A on transcript NM_001377.3 (MANE Select); coding-DNA position 6034, G replaced by A.
Protein change: p.Ala2012Thr; replaces alanine 2012 with threonine.
Molecular consequence: missense variant.
Genome position (GRCh38, 1-based): chr11:103,177,715, G>A. VCF-style: chr11-103177715-G-A. GRCh37 (hg19) VCF-style: chr11-103048444-G-A.
Other names: chr11:103177715G>A; c.6034G>A, p.Ala2012Thr (NM_001080463.2); short protein forms A2012T.
Identifiers: ClinVar variation 4854987 (VCV004854987.2).